The following is an entry in ClinVar:

ClinVar aggregate classification (germline): Benign/Likely benign. Review status: criteria provided, multiple submitters, no conflicts (2 of 4 stars). 2 submissions from 2 submitters: Benign (1); Likely benign (1). Last evaluated 2026-07-08.

Conditions:
Rhabdoid tumor predisposition syndrome 2 (RTPS2). Identifiers: Orphanet 231108, Orphanet 69077, MedGen C2750074, MONDO:0013224, OMIM 613325.

Submissions (2):

Myriad Genetics, Inc.
Classification: Benign for Rhabdoid tumor predisposition syndrome 2. Last evaluated: 2026-07-08. Review status: criteria provided, single submitter. Criteria: Myriad Autosomal Dominant, Autosomal Recessive and X-Linked Classification Criteria (2023). Collection method: clinical testing. Allele origin: unknown.
Comment: This variant is considered benign. This variant is a silent/synonymous amino acid change and it is not expected to impact splicing.

Labcorp Genetics (formerly Invitae), Labcorp
Classification: Likely benign for Rhabdoid tumor predisposition syndrome 2. Last evaluated: 2024-05-05. Review status: criteria provided, single submitter. Criteria: Invitae Variant Classification Sherloc (09022015). Collection method: clinical testing. Allele origin: germline.

NM_003072.5(SMARCA4):c.84G>A (p.Leu28=)

Gene: SMARCA4 (SWI/SNF related BAF chromatin remodeling complex subunit ATPase 4; plus strand). Cytogenetic location: 19p13.2.
Variant type: single nucleotide variant.
Coding change: c.84G>A on transcript NM_003072.5 (MANE Select); coding-DNA position 84, G replaced by A.
Protein change: p.Leu28=; no amino-acid change (leucine 28 retained).
Molecular consequence: synonymous variant. On other transcripts: non-coding transcript variant (1).
Genome position (GRCh38, 1-based): chr19:10,984,235, G>A. VCF-style: chr19-10984235-G-A. GRCh37 (hg19) VCF-style: chr19-11094911-G-A.
Other names: c.84G>A, p.Leu28= (NM_001128844.3, NM_001128845.2, NM_001128846.2 and 6 more transcripts).
Identifiers: ClinVar variation 3652234 (VCV003652234.3).